The following is an entry in ClinVar:

ClinVar aggregate classification (germline): Uncertain significance (1 of 4 stars; one submission).

Conditions:
Neuromuscular disease caused by qualitative or quantitative defects of dysferlin. Also called: Dysferlinopathy; Qualitative or quantitative defects of dysferlin. Identifiers: Orphanet 207073, MedGen C2931687, MONDO:0016145.

Allele frequency attached by ClinVar (database versions not stated): gnomAD exomes below 0.00001; TOPMed below 0.00001.
gnomAD v4.1: 2 of 1,612,878 alleles (0.00012%); highest among the groups gnomAD compares: Admixed American, 0.0033%; no homozygotes.

Submission:

Labcorp Genetics (formerly Invitae), Labcorp
Classification: Uncertain significance for Neuromuscular disease caused by qualitative or quantitative defects of dysferlin. Last evaluated: 2021-09-01. Review status: criteria provided, single submitter. Criteria: Invitae Variant Classification Sherloc (09022015). Collection method: clinical testing. Allele origin: germline.
Comment: This sequence change replaces alanine with valine at codon 1808 of the DYSF protein (p.Ala1808Val). The alanine residue is highly conserved and there is a small physicochemical difference between alanine and valine. This variant is not present in population databases (ExAC no frequency). This variant has not been reported in the literature in individuals affected with DYSF-related conditions. Algorithms developed to predict the effect of missense changes on protein structure and function are either unavailable or do not agree on the potential impact of this missense change (SIFT: "Tolerated"; PolyPhen-2: "Possibly Damaging"; Align-GVGD: "Class C0"). In summary, the available evidence is currently insufficient to determine the role of this variant in disease. Therefore, it has been classified as a Variant of Uncertain Significance.

NM_001130987.2(DYSF):c.5540C>T (p.Ala1847Val)

Gene: DYSF (dysferlin; plus strand). Cytogenetic location: 2p13.2.
Variant type: single nucleotide variant.
Coding change: c.5540C>T on transcript NM_001130987.2 (MANE Select); coding-DNA position 5540, C replaced by T.
Protein change: p.Ala1847Val; replaces alanine 1847 with valine.
Molecular consequence: missense variant.
Genome position (GRCh38, 1-based): chr2:71,668,836, C>T. VCF-style: chr2-71668836-C-T. GRCh37 (hg19) VCF-style: chr2-71895966-C-T.
Other names: c.5426C>T, p.Ala1809Val (NM_001130455.2); c.5381C>T, p.Ala1794Val (NM_001130976.2); c.5444C>T, p.Ala1815Val (NM_001130977.2); c.5486C>T, p.Ala1829Val (NM_001130978.2); c.5516C>T, p.Ala1839Val (NM_001130979.2); c.5474C>T, p.Ala1825Val (NM_001130980.2); c.5537C>T, p.Ala1846Val (NM_001130981.2); c.5519C>T, p.Ala1840Val (NM_001130982.2); and 5 more; short protein forms A1847V, A1808V, A1829V, A1794V, A1816V, A1825V, A1826V, A1815V.
Identifiers: ClinVar variation 538633 (VCV000538633.6), dbSNP rs1436866611, ClinGen allele CA347221988.